The following is an entry in ClinVar:

ClinVar aggregate classification (germline): Pathogenic (1 of 4 stars; one submission).

Conditions:
Cardiovascular phenotype. Identifiers: MedGen CN230736.
Hereditary cancer-predisposing syndrome. Also called: Hereditary Cancer Syndrome; Hereditary neoplastic syndrome; Neoplastic Syndromes, Hereditary; Tumor predisposition. Identifiers: Orphanet 140162, MedGen C0027672, MeSH D009386, MONDO:0015356.

Submission:

Ambry Genetics
Classification: Pathogenic for Cardiovascular phenotype; Hereditary cancer-predisposing syndrome. Last evaluated: 2020-03-12. Review status: criteria provided, single submitter. Criteria: Ambry Variant Classification Scheme 2023. Collection method: clinical testing. Allele origin: germline.
Comment: The c.449dupT pathogenic mutation, located in coding exon 4 of the NF1 gene, results from a duplication of T at nucleotide position 449, causing a translational frameshift with a predicted alternate stop codon (p.N151Qfs*5). This alteration is expected to result in loss of function by premature protein truncation or nonsense-mediated mRNA decay. As such, this alteration is interpreted as a disease-causing mutation.

NM_001042492.3(NF1):c.449dup (p.Asn151fs)

Gene: NF1 (neurofibromin 1; plus strand). Cytogenetic location: 17q11.2.
Variant type: Duplication.
Coding change: c.449dup on transcript NM_001042492.3 (MANE Select); coding-DNA position 449, one base duplicated (T; older notation c.449dupT).
Protein change: p.Asn151fs; shifts the reading frame from asparagine 151.
Molecular consequence: frameshift variant.
Genome position (GRCh38, 1-based): chr17:31,163,346, T duplicated; the last of 2 consecutive T bases (chr17:31,163,345-31,163,346); duplicating either gives the same sequence. VCF-style (leftmost placement, unchanged base first): chr17-31163344-C-CT. GRCh37 (hg19) VCF-style: chr17-29490362-C-CT.
Other names: c.449dupT (NM_000267.3); c.449dup, p.Asn151Glnfs (NM_000267.4); c.449dup, p.Asn151fs (NM_001128147.3); short protein forms N151fs.
Identifiers: ClinVar variation 1741019 (VCV001741019.2), dbSNP rs1567817974, ClinGen allele CA2580092904.